The following is an entry in ClinVar:

NM_005461.5(MAFB):c.176C>T (p.Pro59Leu)

Gene: MAFB (MAF bZIP transcription factor B; minus strand). Cytogenetic location: 20q12.
Variant type: single nucleotide variant.
Coding change: c.176C>T on transcript NM_005461.5 (MANE Select); coding-DNA position 176, C replaced by T.
Protein change: p.Pro59Leu; replaces proline 59 with leucine.
Molecular consequence: missense variant.
Genome position (GRCh38, 1-based): chr20:40,688,675, G>A on the plus strand (C>T on the coding strand, the complement: MAFB is on the minus strand). VCF-style: chr20-40688675-G-A. GRCh37 (hg19) VCF-style: chr20-39317315-G-A.
Other names: short protein forms P59L.
Identifiers: ClinVar variation 3381372 (VCV003381372.5).

ClinVar aggregate classification (germline): Pathogenic/Likely pathogenic. Review status: criteria provided, multiple submitters, no conflicts (2 of 4 stars). 4 submissions from 4 submitters: Pathogenic (3); Likely pathogenic (1). Last evaluated 2026-02-11.

Conditions:
Multicentric carpo-tarsal osteolysis with or without nephropathy. Also called: Multicentric Carpotarsal Osteolysis with or without Nephropathy; Multicentric Osteolysis of Carpal Bones and Nephropathy; OSTEOLYSIS, HEREDITARY, OF CARPAL BONES WITH OR WITHOUT NEPHROPATHY; MULTICENTRIC CARPOTARSAL OSTEOLYSIS SYNDROME; Carnevale Canun Mendoza syndrome; MULTICENTRIC OSTEOLYSIS, AUTOSOMAL DOMINANT. Identifiers: Orphanet 2774, MedGen C2674705, MONDO:0008152, OMIM 166300.
Duane retraction syndrome 3 with or without deafness (DURS3). Also called: Duane syndrome type 3; DUANE RETRACTION SYNDROME 3. Identifiers: Orphanet 233, MedGen C4310752, MONDO:0014880, OMIM 617041.
MAFB-related disorder. Also called: MAFB-related condition.

Submissions (4):

GeneDx
Classification: Likely pathogenic. Last evaluated: 2026-02-11. Review status: criteria provided, single submitter. Criteria: GeneDx Variant Classification Process June 2021. Collection method: clinical testing. Allele origin: germline.
Comment: Not observed at significant frequency in large population cohorts (gnomAD); In silico analysis supports that this missense variant has a deleterious effect on protein structure/function; This variant is associated with the following publications: (PMID: 27385948, 24989131, 35717242, 37595943, 22387013, 23956186, Markova2024[CaseReport], 30369533, 33806930, Close2019[Abstract], Maxted2019[Abstract], 36900016)

Labcorp Genetics (formerly Invitae), Labcorp
Classification: Pathogenic. Last evaluated: 2025-07-31. Review status: criteria provided, single submitter. Criteria: Invitae Variant Classification Sherloc (09022015). Collection method: clinical testing. Allele origin: germline.
Comment: This sequence change replaces proline, which is neutral and non-polar, with leucine, which is neutral and non-polar, at codon 59 of the MAFB protein (p.Pro59Leu). This variant is not present in population databases (gnomAD no frequency). This missense change has been observed in individual(s) with multicentric carpotarsal osteolysis syndrome (PMID: 22387013, 23956186, 24989131, 27385948). In at least one individual the variant was observed to be de novo. ClinVar contains an entry for this variant (Variation ID: 3381372). Invitae Evidence Modeling of protein sequence and biophysical properties (such as structural, functional, and spatial information, amino acid conservation, physicochemical variation, residue mobility, and thermodynamic stability) indicates that this missense variant is not expected to disrupt MAFB protein function with a negative predictive value of 95%. For these reasons, this variant has been classified as Pathogenic.

Blueprint Genetics
Classification: Pathogenic for MAFB-related disorders. Last evaluated: 2024-09-03. Review status: criteria provided, single submitter. Criteria: ACMG Guidelines, 2015. Collection method: clinical testing. Allele origin: de novo. Affected: yes. Observed: 1 variant allele.

Fulgent Genetics
Classification: Pathogenic for Multicentric carpo-tarsal osteolysis with or without nephropathy; Duane retraction syndrome 3 with or without deafness. Last evaluated: 2024-06-04. Review status: criteria provided, single submitter. Criteria: ACMG Guidelines, 2015. Collection method: clinical testing. Allele origin: germline.

Literature cited by the submitters: PubMed 22387013 (cited by Labcorp Genetics (formerly Invitae), Labcorp); PubMed 23956186 (cited by Labcorp Genetics (formerly Invitae), Labcorp); PubMed 24989131 (cited by Labcorp Genetics (formerly Invitae), Labcorp); PubMed 27385948 (cited by Labcorp Genetics (formerly Invitae), Labcorp).